The following is an entry in ClinVar:

ClinVar aggregate classification (germline): Benign. Review status: criteria provided, multiple submitters, no conflicts (2 of 4 stars). 3 submissions from 3 submitters: Benign (2). 1 of the submissions does not count toward it. Last evaluated 2018-07-15.

Conditions:
PLXNB1-related disorder. Also called: PLXNB1-related condition.

Allele frequency attached by ClinVar (database versions not stated): gnomAD exomes 0.00150 and 0.00355; ExAC 0.00441; 1000 Genomes Project 30x 0.01312; gnomAD 0.01323 and 0.01410; 1000 Genomes Project 0.01338; TOPMed 0.01500; ESP Exome Variant Server 0.01622.

Submissions (3):

Labcorp Genetics (formerly Invitae), Labcorp
Classification: Benign. Last evaluated: 2018-07-15. Review status: criteria provided, single submitter. Criteria: Invitae Variant Classification Sherloc (09022015). Collection method: clinical testing. Allele origin: germline.

Breakthrough Genomics
Classification: Benign. Review status: criteria provided, single submitter. Criteria: ACMG Guidelines, 2015. Collection method: not provided. Allele origin: germline. Inheritance: Unknown mechanism. Affected: yes.

PreventionGenetics, part of Exact Sciences
Classification: Likely benign for PLXNB1-related condition. Last evaluated: 2020-01-02. Review status: no assertion criteria provided. Collection method: clinical testing. Allele origin: germline. Not counted in ClinVar's aggregate classification.
Comment: This variant is classified as likely benign based on ACMG/AMP sequence variant interpretation guidelines (Richards et al. 2015 PMID: 25741868, with internal and published modifications).

NM_001130082.3(PLXNB1):c.3249C>T (p.Asp1083=)

Gene: PLXNB1 (plexin B1; minus strand). Cytogenetic location: 3p21.31.
Variant type: single nucleotide variant.
Coding change: c.3249C>T on transcript NM_001130082.3 (MANE Select); coding-DNA position 3249, C replaced by T.
Protein change: p.Asp1083=; no amino-acid change (aspartic acid 1083 retained).
Molecular consequence: synonymous variant.
Genome position (GRCh38, 1-based): chr3:48,418,036, G>A on the plus strand (C>T on the coding strand, the complement: PLXNB1 is on the minus strand). VCF-style: chr3-48418036-G-A. GRCh37 (hg19) VCF-style: chr3-48459445-G-A.
Other names: c.3249C>T, p.Asp1083= (NM_002673.6).
Identifiers: ClinVar variation 712525 (VCV000712525.6), dbSNP rs61729216, ClinGen allele CA2374573.
Genomic context (GRCh38, chr3:48,418,036, plus strand): 5'-CAGCACATCCTGCACATGCTGGCCCAGGTTGGAGCCCCTGATGGTGACACGGGTGCCTCC[G>A]TCTACAGGCCCAGTCAGTGGCTCCACCTGTTCCAGGACAAGGACTGCTCACCTCTACTCA-3'
Protein context (NP_001123554.1, residues 1073-1093): HSVEPLTGPV[Asp1083=]GGTRVTIRGS